The following is an entry in ClinVar:

NM_000258.3(MYL3):c.177G>A (p.Met59Ile)

Gene: MYL3 (myosin light chain 3; minus strand). Cytogenetic location: 3p21.31.
Variant type: single nucleotide variant.
Coding change: c.177G>A on transcript NM_000258.3 (MANE Select); coding-DNA position 177, G replaced by A.
Protein change: p.Met59Ile; replaces methionine 59 with isoleucine.
Molecular consequence: missense variant. On other transcripts: initiator codon variant (2).
Genome position (GRCh38, 1-based): chr3:46,860,806, C>T on the plus strand (G>A on the coding strand, the complement: MYL3 is on the minus strand). VCF-style: chr3-46860806-C-T. GRCh37 (hg19) VCF-style: chr3-46902296-C-T.
Other names: c.177G>A, p.Met59Ile (NM_001406937.1, NM_001406938.1, NM_001406939.1); c.3G>A, p.Met1Ile (NM_001406940.1, NM_001406941.1); short protein forms M1I, M59I.
Identifiers: ClinVar variation 3075512 (VCV003075512.1), dbSNP rs1246379576, ClinGen allele CA352498612.
Genomic context (GRCh38, chr3:46,860,806, plus strand): 5'-GACATCCCCACACTGCCCGTAGGTGATCTTCATCTCACACTTGGGTGTGCGGTCGAACAG[C>T]ATGAAGGCTTCCTTGAACTCTGCCAGGAGAGGGCAGTGAGCCACAGACACTCCCAGGGTC-3'
Protein context (NP_000249.1, residues 49-69): EQIEEFKEAF[Met59Ile]LFDRTPKCEM

ClinVar aggregate classification (germline): Uncertain significance (1 of 4 stars; one submission).

Conditions:
Hypertrophic cardiomyopathy. Also called: HYPERTROPHIC MYOCARDIOPATHY. Identifiers: Orphanet 217569, MedGen C0007194, MeSH D002312, MONDO:0005045, HP:0001639.

Submission:

All of Us Research Program, National Institutes of Health
Classification: Uncertain significance for Hypertrophic cardiomyopathy. Last evaluated: 2023-06-26. Review status: criteria provided, single submitter. Criteria: ACMG Guidelines, 2015. Collection method: clinical testing. Allele origin: germline. Inheritance: Autosomal dominant inheritance. Observed: 1 variant allele, 1 heterozygote.
Comment: This missense variant replaces methionine with isoleucine at codon 59 of the MYL3 protein. Computational prediction suggests that this variant may not impact protein structure and function (internally defined REVEL score threshold <= 0.5, PMID: 27666373). To our knowledge, functional studies have not been reported for this variant. This variant has not been reported in individuals affected with MYL3-related disorders in the literature. This variant has been identified in 1/251468 chromosomes in the general population by the Genome Aggregation Database (gnomAD). The available evidence is insufficient to determine the role of this variant in disease conclusively. Therefore, this variant is classified as a Variant of Uncertain Significance.

This study involves interpretation of variants in research participants for the purpose of population health screening. Participant phenotype was not available at the time of variant classification. Additional details can be found in publication PMID: 35346344, PMCID: PMC8962531